The following is an entry in ClinVar:

NM_016169.4(SUFU):c.1429G>C (p.Val477Leu)

Gene: SUFU (SUFU negative regulator of hedgehog signaling; plus strand). Cytogenetic location: 10q24.32.
Variant type: single nucleotide variant.
Coding change: c.1429G>C on transcript NM_016169.4 (MANE Select); coding-DNA position 1429, G replaced by C.
Protein change: p.Val477Leu; replaces valine 477 with leucine.
Molecular consequence: missense variant.
Genome position (GRCh38, 1-based): chr10:102,630,129, G>C. VCF-style: chr10-102630129-G-C. GRCh37 (hg19) VCF-style: chr10-104389886-G-C.
Other names: short protein forms V477L.
Identifiers: ClinVar variation 3802891 (VCV003802891.1).

ClinVar aggregate classification (germline): Uncertain significance (1 of 4 stars; one submission).

Conditions:
Hereditary cancer-predisposing syndrome. Also called: Neoplastic Syndromes, Hereditary; Hereditary Cancer Syndrome; Tumor predisposition; Hereditary neoplastic syndrome. Identifiers: Orphanet 140162, MedGen C0027672, MeSH D009386, MONDO:0015356.

Submission:

Ambry Genetics
Classification: Uncertain significance for Hereditary cancer-predisposing syndrome. Last evaluated: 2025-01-11. Review status: criteria provided, single submitter. Criteria: Ambry Variant Classification Scheme 2023. Collection method: clinical testing. Allele origin: germline.
Comment: The p.V477L variant (also known as c.1429G>C), located in coding exon 12 of the SUFU gene, results from a G to C substitution at nucleotide position 1429. The valine at codon 477 is replaced by leucine, an amino acid with highly similar properties. This amino acid position is conserved. In addition, this alteration is predicted to be tolerated by in silico analysis. Based on the available evidence, the clinical significance of this variant remains unclear.